The following is an entry in ClinVar:

NM_001386140.1(MTTP):c.1913C>T (p.Ser638Leu)

Gene: MTTP (microsomal triglyceride transfer protein; plus strand). Cytogenetic location: 4q23.
Variant type: single nucleotide variant.
Coding change: c.1913C>T on transcript NM_001386140.1 (MANE Select); coding-DNA position 1913, C replaced by T.
Protein change: p.Ser638Leu; replaces serine 638 with leucine.
Molecular consequence: missense variant.
Genome position (GRCh38, 1-based): chr4:99,611,377, C>T. VCF-style: chr4-99611377-C-T. GRCh37 (hg19) VCF-style: chr4-100532534-C-T.
Other names: c.1913C>T, p.Ser638Leu (NM_000253.4); c.1664C>T, p.Ser555Leu (NM_001300785.2); short protein forms S638L, S555L.
Identifiers: ClinVar variation 1425369 (VCV001425369.3), dbSNP rs1354613912, ClinGen allele CA357515907.

ClinVar aggregate classification (germline): Uncertain significance (1 of 4 stars; one submission).

Allele frequency attached by ClinVar (database versions not stated): gnomAD exomes 0.00001; TOPMed 0.00001; gnomAD 0.00003.
gnomAD v4.1: 11 of 1,613,850 alleles (0.00068%); highest among the groups gnomAD compares: South Asian, 0.0011%; no homozygotes.

Submission:

Labcorp Genetics (formerly Invitae), Labcorp
Classification: Uncertain significance. Last evaluated: 2022-10-05. Review status: criteria provided, single submitter. Criteria: Invitae Variant Classification Sherloc (09022015). Collection method: clinical testing. Allele origin: germline.
Comment: This sequence change replaces serine, which is neutral and polar, with leucine, which is neutral and non-polar, at codon 638 of the MTTP protein (p.Ser638Leu). This variant is present in population databases (no rsID available, gnomAD 0.0009%). This variant has not been reported in the literature in individuals affected with MTTP-related conditions. ClinVar contains an entry for this variant (Variation ID: 1425369). Advanced modeling of protein sequence and biophysical properties (such as structural, functional, and spatial information, amino acid conservation, physicochemical variation, residue mobility, and thermodynamic stability) has been performed at Invitae for this missense variant, however the output from this modeling did not meet the statistical confidence thresholds required to predict the impact of this variant on MTTP protein function. In summary, the available evidence is currently insufficient to determine the role of this variant in disease. Therefore, it has been classified as a Variant of Uncertain Significance.